The following is an entry in ClinVar:

ClinVar aggregate classification (germline): Likely benign (0 of 4 stars; one submission).

Conditions:
DSCAML1-related disorder. Also called: DSCAML1-related condition.

Allele frequency attached by ClinVar (database versions not stated): gnomAD 0.00003.
gnomAD v4.1: 137 of 1,402,284 alleles (0.0098%); highest among the groups gnomAD compares: Non-Finnish European, 0.012%; 2 homozygotes.

Submission:

PreventionGenetics, part of Exact Sciences
Classification: Likely benign for DSCAML1-related condition. Last evaluated: 2019-09-06. Review status: no assertion criteria provided. Collection method: clinical testing. Allele origin: germline.
Comment: This variant is classified as likely benign based on ACMG/AMP sequence variant interpretation guidelines (Richards et al. 2015 PMID: 25741868, with internal and published modifications).

NC_000011.10:g.117797262G>A

Gene: DSCAML1 (DS cell adhesion molecule like 1; minus strand). Cytogenetic location: 11q23.3.
Variant type: single nucleotide variant.
Molecular consequence: intron variant (on NM_001367905.1).
Genome position: GRCh38 VCF-style: chr11-117797262-G-A. GRCh37 (hg19) VCF-style: chr11-117667977-G-A.
Other names: c.-362-16452C>T (NM_001367905.1).
Identifiers: ClinVar variation 3040163 (VCV003040163.2), dbSNP rs776911771, ClinGen allele CA6297724.